The following is an entry in ClinVar:

ClinVar aggregate classification (germline): Benign. Review status: criteria provided, multiple submitters, no conflicts (2 of 4 stars). 4 submissions from 4 submitters: Benign (4). Last evaluated 2026-05-09.

Conditions:
Iodotyrosyl coupling defect (TDH3). Also called: HYPOTHYROIDISM, CONGENITAL, DUE TO DYSHORMONOGENESIS, 3; THYROID HORMONOGENESIS, GENETIC DEFECT IN, 3. Identifiers: Orphanet 95716, MedGen C0342194, MONDO:0010135, OMIM 274700.

Allele frequency attached by ClinVar (database versions not stated): ExAC 0.08488; 1000 Genomes Project 30x 0.07308; gnomAD exomes 0.08341 and 0.09354; gnomAD 0.07111 and 0.06877; 1000 Genomes Project 0.07188; TOPMed 0.07191; ESP Exome Variant Server 0.07789.
gnomAD v4.1: 147,664 of 1,612,892 alleles (9.2%); highest among the groups gnomAD compares: South Asian, 14%; 7,480 homozygotes.

Submissions (4):

Women's Health and Genetics/Laboratory Corporation of America, LabCorp
Classification: Benign. Last evaluated: 2026-05-09. Review status: criteria provided, single submitter. Criteria: LabCorp Variant Classification Summary - May 2015. Collection method: clinical testing. Allele origin: germline.

Labcorp Genetics (formerly Invitae), Labcorp
Classification: Benign. Last evaluated: 2026-02-04. Review status: criteria provided, single submitter. Criteria: Invitae Variant Classification Sherloc (09022015). Collection method: clinical testing. Allele origin: germline.

Illumina Laboratory Services, Illumina
Classification: Benign for Iodotyrosyl coupling defect. Last evaluated: 2018-01-13. Review status: criteria provided, single submitter. Criteria: ICSL Variant Classification Criteria 13 December 2019. Collection method: clinical testing. Allele origin: germline.
Comment: This variant was observed in the ICSL laboratory as part of a predisposition screen in an ostensibly healthy population. It had not been previously curated by ICSL or reported in the Human Gene Mutation Database (HGMD: prior to June 1st, 2018), and was therefore a candidate for classification through an automated scoring system. Utilizing variant allele frequency, disease prevalence and penetrance estimates, and inheritance mode, an automated score was calculated to assess if this variant is too frequent to cause the disease. Based on the score and internal cut-off values, a variant classified as benign is not then subjected to further curation. The score for this variant resulted in a classification of benign for this disease.

Breakthrough Genomics
Classification: Benign. Review status: criteria provided, single submitter. Criteria: ACMG Guidelines, 2015. Collection method: not provided. Allele origin: germline. Inheritance: Autosomal recessive inheritance. Affected: yes.

NM_003235.5(TG):c.5234-10T>C

Gene: TG (thyroglobulin; plus strand). Cytogenetic location: 8q24.22.
Variant type: single nucleotide variant.
Coding change: c.5234-10T>C on transcript NM_003235.5 (MANE Select); 10 bases into the intron before coding-DNA position 5234, T replaced by C.
Molecular consequence: intron variant.
Genome position (GRCh38, 1-based): chr8:132,948,766, T>C. VCF-style: chr8-132948766-T-C. GRCh37 (hg19) VCF-style: chr8-133961011-T-C.
Identifiers: ClinVar variation 361973 (VCV000361973.10), dbSNP rs4736614, ClinGen allele CA4884430.
Genomic context (GRCh38, chr8:132,948,766, plus strand): 5'-GGGGACAGAGAAGAGTCTCTAAAGGTCCCCCTCCATCACACTGACCTCTCCTACCTCTTG[T>C]GATTCTCAGGTGCCATCATCTGTGGGTTGCTGAGCTCACCCAGTGTCCTGCTTTGTAATG-3'